The following is an entry in ClinVar:

NM_001100913.3(PACS2):c.1063G>T (p.Glu355Ter)

Gene: PACS2 (phosphofurin acidic cluster sorting protein 2; plus strand). Cytogenetic location: 14q32.33.
Variant type: single nucleotide variant.
Coding change: c.1063G>T on transcript NM_001100913.3 (MANE Select); coding-DNA position 1063, G replaced by T.
Protein change: p.Glu355Ter; replaces glutamic acid 355 with a stop codon.
Molecular consequence: nonsense.
Genome position (GRCh38, 1-based): chr14:105,380,092, G>T. VCF-style: chr14-105380092-G-T. GRCh37 (hg19) VCF-style: chr14-105846429-G-T.
Other names: c.838G>T, p.Glu280Ter (NM_001243127.3); c.1063G>T, p.Glu355Ter (NM_015197.4); short protein forms E280*, E355*.
Identifiers: ClinVar variation 5017667 (VCV005017667.1).
Genomic context (GRCh38, chr14:105,380,092, plus strand): 5'-TGGCACCTGCAGTTGAGCACAAGCTGATTCCCATCTCCTCCCCCACAGGCTGACGTGCCC[G>T]AGAAGACGCGGTCCCTGGGAGGCAGGCAGCCGAGCGACAGTGTCTCTGACACGGTGGCCC-3'

ClinVar aggregate classification (germline): Uncertain significance (1 of 4 stars; one submission).

Submission:

GeneDx
Classification: Uncertain significance. Last evaluated: 2026-03-26. Review status: criteria provided, single submitter. Criteria: GeneDx Variant Classification Process June 2021. Collection method: clinical testing. Allele origin: germline.
Comment: Not observed at significant frequency in large population cohorts (gnomAD); Nonsense variant predicted to result in protein truncation or nonsense mediated decay in a gene or region of a gene for which loss of function is not a well-established mechanism of disease; Has not been previously published as pathogenic or benign to our knowledge